The following is an entry in ClinVar:

ClinVar aggregate classification (germline): Uncertain significance. Review status: criteria provided, multiple submitters, no conflicts (2 of 4 stars). 3 submissions from 3 submitters: Uncertain significance (3). Last evaluated 2025-12-10.

Conditions:
Inborn genetic diseases. Identifiers: MedGen C0950123, MeSH D030342.
Nemaline myopathy 6 (NEM6). Also called: Nemaline myopathy 6, autosomal dominant. Identifiers: Orphanet 171439, MedGen C1836472, MONDO:0012237, OMIM 609273.

Allele frequency attached by ClinVar (database versions not stated): gnomAD exomes below 0.00001; gnomAD 0.00001; TOPMed 0.00001.

Submissions (3):

Labcorp Genetics (formerly Invitae), Labcorp
Classification: Uncertain significance for Nemaline myopathy 6. Last evaluated: 2025-12-10. Review status: criteria provided, single submitter. Criteria: Invitae Variant Classification Sherloc (09022015). Collection method: clinical testing. Allele origin: germline.
Comment: This sequence change replaces alanine, which is neutral and non-polar, with glutamic acid, which is acidic and polar, at codon 192 of the KBTBD13 protein (p.Ala192Glu). The frequency data for this variant in the population databases is considered unreliable, as metrics indicate poor data quality at this position in the gnomAD database. This variant has not been reported in the literature in individuals affected with KBTBD13-related conditions. ClinVar contains an entry for this variant (Variation ID: 1219038). Invitae Evidence Modeling of protein sequence and biophysical properties (such as structural, functional, and spatial information, amino acid conservation, physicochemical variation, residue mobility, and thermodynamic stability) indicates that this missense variant is not expected to disrupt KBTBD13 protein function with a negative predictive value of 80%. In summary, the available evidence is currently insufficient to determine the role of this variant in disease. Therefore, it has been classified as a Variant of Uncertain Significance.

Ambry Genetics
Classification: Uncertain significance for Inborn genetic diseases. Last evaluated: 2025-08-11. Review status: criteria provided, single submitter. Criteria: Ambry Variant Classification Scheme 2023. Collection method: clinical testing. Allele origin: germline.

GeneDx
Classification: Uncertain significance. Last evaluated: 2019-06-24. Review status: criteria provided, single submitter. Criteria: GeneDx Variant Classification Process June 2021. Collection method: clinical testing. Allele origin: germline. Affected: yes.
Comment: Has not been previously published as pathogenic or benign to our knowledge; In silico analysis, which includes protein predictors and evolutionary conservation, supports that this variant does not alter protein structure/function

NM_001101362.3(KBTBD13):c.575C>A (p.Ala192Glu)

Gene: KBTBD13 (kelch repeat and BTB domain containing 13; plus strand). Cytogenetic location: 15q22.31.
Variant type: single nucleotide variant.
Coding change: c.575C>A on transcript NM_001101362.3 (MANE Select); coding-DNA position 575, C replaced by A.
Protein change: p.Ala192Glu; replaces alanine 192 with glutamic acid.
Molecular consequence: missense variant.
Genome position (GRCh38, 1-based): chr15:65,077,390, C>A. VCF-style: chr15-65077390-C-A. GRCh37 (hg19) VCF-style: chr15-65369728-C-A.
Other names: short protein forms A192E.
Identifiers: ClinVar variation 1219038 (VCV001219038.5), dbSNP rs966078874, ClinGen allele CA271503740.
Genomic context (GRCh38, chr15:65,077,390, plus strand): 5'-ACGCCTCGCGCACGCTGTGTTACCTGGACGAGGAAGAGGACGCGTGGCGCACGCTGGCTG[C>A]GCTGCCCCTGGAGGCCAGCACGTTGCTGGCCGGGGTGGCCACGCTGGGCAACAAGCTTTA-3'
Protein context (NP_001094832.1, residues 182-202): EEEDAWRTLA[Ala192Glu]LPLEASTLLA